The following is an entry in ClinVar:

ClinVar aggregate classification (germline): Uncertain significance (1 of 4 stars; one submission).

gnomAD v4.1: 2 of 1,592,022 alleles (0.00013%); highest among the groups gnomAD compares: Non-Finnish European, 0.00017%; no homozygotes.

Submission:

GeneDx
Classification: Uncertain significance. Last evaluated: 2024-08-08. Review status: criteria provided, single submitter. Criteria: GeneDx Variant Classification Process June 2021. Collection method: clinical testing. Allele origin: germline. Affected: yes.
Comment: Not observed at significant frequency in large population cohorts (gnomAD); In silico analysis indicates that this missense variant does not alter protein structure/function; Has not been previously published as pathogenic or benign to our knowledge

NM_002608.4(PDGFB):c.184C>G (p.Leu62Val)

Gene: PDGFB (platelet derived growth factor subunit B; minus strand). Cytogenetic location: 22q13.1.
Variant type: single nucleotide variant.
Coding change: c.184C>G on transcript NM_002608.4 (MANE Select); coding-DNA position 184, C replaced by G.
Protein change: p.Leu62Val; replaces leucine 62 with valine.
Molecular consequence: missense variant.
Genome position (GRCh38, 1-based): chr22:39,233,501, G>C on the plus strand (C>G on the coding strand, the complement: PDGFB is on the minus strand). VCF-style: chr22-39233501-G-C. GRCh37 (hg19) VCF-style: chr22-39629506-G-C.
Other names: c.139C>G, p.Leu47Val (NM_033016.3); short protein forms L62V, L47V.
Identifiers: ClinVar variation 3731086 (VCV003731086.1).